The following is an entry in ClinVar:

NM_019892.6(INPP5E):c.1188C>G (p.Arg396=)

Gene: INPP5E (inositol polyphosphate-5-phosphatase E; minus strand). Cytogenetic location: 9q34.3.
Variant type: single nucleotide variant.
Coding change: c.1188C>G on transcript NM_019892.6 (MANE Select); coding-DNA position 1188, C replaced by G.
Protein change: p.Arg396=; no amino-acid change (arginine 396 retained).
Molecular consequence: synonymous variant.
Genome position (GRCh38, 1-based): chr9:136,433,047, G>C on the plus strand (C>G on the coding strand, the complement: INPP5E is on the minus strand). VCF-style: chr9-136433047-G-C. GRCh37 (hg19) VCF-style: chr9-139327499-G-C.
Other names: c.1188C>G, p.Arg396= (NM_001318502.2).
Identifiers: ClinVar variation 1904907 (VCV001904907.5), dbSNP rs1206812099, ClinGen allele CA467721865.

ClinVar aggregate classification (germline): Uncertain significance (1 of 4 stars; one submission).

Conditions:
Joubert syndrome. Also called: CEREBELLOPARENCHYMAL DISORDER IV; JOUBERT-BOLTSHAUSER SYNDROME; Familial aplasia of the vermis. Identifiers: Orphanet 475, MedGen C5979921, MONDO:0018772.

Submission:

Labcorp Genetics (formerly Invitae), Labcorp
Classification: Uncertain significance for Joubert syndrome. Last evaluated: 2022-05-28. Review status: criteria provided, single submitter. Criteria: Invitae Variant Classification Sherloc (09022015). Collection method: clinical testing. Allele origin: germline.
Comment: In summary, the available evidence is currently insufficient to determine the role of this variant in disease. Therefore, it has been classified as a Variant of Uncertain Significance. Algorithms developed to predict the effect of sequence changes on RNA splicing suggest that this variant may disrupt the consensus splice site. This variant has not been reported in the literature in individuals affected with INPP5E-related conditions. This variant is present in population databases (no rsID available, gnomAD 0.006%). This sequence change affects codon 396 of the INPP5E mRNA. It is a 'silent' change, meaning that it does not change the encoded amino acid sequence of the INPP5E protein.